The following is an entry in ClinVar:

ClinVar aggregate classification (germline): Likely benign (1 of 4 stars; one submission).

Allele frequency attached by ClinVar (database versions not stated): 1000 Genomes Project 30x 0.00016; 1000 Genomes Project 0.00020; gnomAD 0.00059; gnomAD exomes 0.00059; ExAC 0.00061; TOPMed 0.00062; ESP Exome Variant Server 0.00077.
gnomAD v4.1: 952 of 1,614,196 alleles (0.059%); highest among the groups gnomAD compares: Admixed American, 0.093%; 1 homozygote.

Submission:

CeGaT Center for Human Genetics Tuebingen
Classification: Likely benign. Last evaluated: 2023-02-01. Review status: criteria provided, single submitter. Criteria: CeGaT Center For Human Genetics Tuebingen Variant Classification Criteria Version 2. Collection method: clinical testing. Allele origin: germline. Affected: yes. Observed: 1 variant allele.
Comment: RANBP10: BP4, BP7

NM_020850.3(RANBP10):c.522C>T (p.Asn174=)

Gene: RANBP10 (RAN binding protein 10; minus strand). Cytogenetic location: 16q22.1.
Variant type: single nucleotide variant.
Coding change: c.522C>T on transcript NM_020850.3 (MANE Select); coding-DNA position 522, C replaced by T.
Protein change: p.Asn174=; no amino-acid change (asparagine 174 retained).
Molecular consequence: synonymous variant. On other transcripts: 5 prime UTR variant (1), intron variant (1).
Genome position (GRCh38, 1-based): chr16:67,744,334, G>A on the plus strand (C>T on the coding strand, the complement: RANBP10 is on the minus strand). VCF-style: chr16-67744334-G-A. GRCh37 (hg19) VCF-style: chr16-67778237-G-A.
Other names: c.171C>T, p.Asn57= (NM_001320238.2); c.-166C>T (NM_001320240.2); c.522C>T, p.Asn174= (NM_001410883.1); c.401-6299C>T (NM_001320239.2).
Identifiers: ClinVar variation 2646638 (VCV002646638.24), dbSNP rs150902552, ClinGen allele CA8116533.